The following is an entry in ClinVar:

ClinVar aggregate classification (germline): Likely pathogenic (1 of 4 stars; one submission).

Conditions:
Muscular dystrophy-dystroglycanopathy type B6 (MDDGB6). Also called: MUSCULAR DYSTROPHY-DYSTROGLYCANOPATHY (CONGENITAL WITH IMPAIRED INTELLECTUAL DEVELOPMENT), TYPE B, 6; MUSCULAR DYSTROPHY, CONGENITAL, LARGE-RELATED; MUSCULAR DYSTROPHY, CONGENITAL, TYPE 1D. Identifiers: MedGen C1837229, MONDO:0012138, OMIM 608840.

Submission:

Neuberg Centre For Genomic Medicine, NCGM
Classification: Likely pathogenic for Muscular dystrophy-dystroglycanopathy type B6. Last evaluated: 2023-02-14. Review status: criteria provided, single submitter. Criteria: ACMG Guidelines, 2015. Collection method: clinical testing. Allele origin: germline. Inheritance: Autosomal recessive inheritance. Affected: yes.
Comment: The frameshift c.483del (p.Phe162SerfsTer61) variant in LARGE1 gene has not been reported previously as a pathogenic variant nor as a benign variant, to our knowledge. The p.Phe162SerfsTer61 variant is novel (not in any individuals) in gnomAD Exomes and 1000 Genomes databases. This variant has not been reported to the ClinVar database. This variant causes a frameshift starting with codon Phenylalanine 162, changes this amino acid to Serine residue, and creates a premature Stop codon at position 61 of the new reading frame, denoted p.Phe162SerfsTer61. This variant is predicted to cause loss of normal protein function through protein truncation. Loss of function variants have been previously reported to be disease causing. For these reasons, this variant has been classified as Likely Pathogenic.

NM_133642.5(LARGE1):c.483del (p.Phe162fs)

Gene: LARGE1 (LARGE xylosyl- and glucuronyltransferase 1; minus strand). Cytogenetic location: 22q12.3.
Variant type: Deletion.
Coding change: c.483del on transcript NM_133642.5 (MANE Select); coding-DNA position 483, one base deleted (G; older notation c.483delG).
Protein change: p.Phe162fs; shifts the reading frame from phenylalanine 162.
Molecular consequence: frameshift variant.
Genome position (GRCh38, 1-based): chr22:33,626,252, C deleted on the plus strand (G on the coding strand, the reverse complement: LARGE1 is on the minus strand). VCF-style (leftmost placement, unchanged base first): chr22-33626251-AC-A. GRCh37 (hg19) VCF-style: chr22-34022235-AC-A.
Other names: c.483del, p.Phe162fs (NM_001362949.2, NM_001362951.2, NM_001362953.2 and 7 more transcripts); short protein forms F162fs.
Identifiers: ClinVar variation 2664915 (VCV002664915.1), dbSNP rs2518914515, ClinGen allele CA2695200114.